The following is an entry in ClinVar:

NM_017934.7(PHIP):c.5172A>C (p.Lys1724Asn)

Genes: IRAK1BP1 (interleukin 1 receptor associated kinase 1 binding protein 1; plus strand), PHIP (PHIP subunit of CUL4-Ring ligase complex; minus strand). Cytogenetic location: 6q14.1.
Variant type: single nucleotide variant.
Coding change: c.5172A>C on transcript NM_017934.7 (MANE Select); coding-DNA position 5172, A replaced by C.
Protein change: p.Lys1724Asn; replaces lysine 1724 with asparagine.
Molecular consequence: missense variant.
Genome position (GRCh38, 1-based): chr6:78,940,987, T>G on the plus strand (A>C on the coding strand, the complement: PHIP is on the minus strand). VCF-style: chr6-78940987-T-G. GRCh37 (hg19) VCF-style: chr6-79650704-T-G.
Other names: short protein forms K1724N.
Identifiers: ClinVar variation 4683159 (VCV004683159.1).
Genomic context (GRCh38, chr6:78,940,987, plus strand): 5'-TTTTCGGTTACTTCTCCTTAACACTTTGACACTTGCAGGGACTAGGAGATCTGCATCTAA[T>G]TTTTGTGTCTTCATCTTCCTTTTGGGCTTCCTACCTCCACGATTCTTTTTCTGTAACAAA-3'
Protein context (NP_060404.4, residues 1714-1734): RKPKRKMKTQ[Lys1724Asn]LDADLLVPAS

ClinVar aggregate classification (germline): Likely benign (1 of 4 stars; one submission).

Conditions:
Early onset severe obesity. Identifiers: MedGen C4013980.

Submission:

Cambridge Genomics Laboratory, East Genomic Laboratory Hub, NHS Genomic Medicine Service
Classification: Likely benign for Severe early-onset obesity. Last evaluated: 2025-04-11. Review status: criteria provided, single submitter. Criteria: ACGS Best Practice Guidelines for Variant Classification in Rare Disease 2020. Collection method: clinical testing. Allele origin: germline. Affected: yes.
Comment: BS1_Strong,BP4